The following is an entry in ClinVar:

ClinVar aggregate classification (germline): Pathogenic (1 of 4 stars; one submission).

Conditions:
USH2A-related disorder. Also called: USH2A-related condition; USH2A-related disorders. Identifiers: MedGen CN239332.

Submission:

Myriad Genetics, Inc.
Classification: Pathogenic for USH2A-related disorder. Last evaluated: 2026-02-25. Review status: criteria provided, single submitter. Criteria: Myriad Autosomal Dominant, Autosomal Recessive and X-Linked Classification Criteria (2023). Collection method: clinical testing. Allele origin: unknown.
Comment: NM_206933.2(USH2A):c.1008_1014del7(N336Kfs*32) is expected to be pathogenic in the context of USH2A-related disorders. This variant is predicted to lead to an abnormal or absent protein product due to the creation of a premature termination codon in USH2A, a gene where loss-of-function variants are known to be pathogenic. Please note: this variant was assessed in the context of healthy population screening.

NM_206933.4(USH2A):c.1008_1014del (p.Asn336fs)

Gene: USH2A (usherin; minus strand). Cytogenetic location: 1q41.
Variant type: Deletion.
Coding change: c.1008_1014del on transcript NM_206933.4 (MANE Select); coding-DNA positions 1008 to 1014, 7 bases deleted (TCCTGAA; older notation c.1008_1014delTCCTGAA).
Protein change: p.Asn336fs; shifts the reading frame from asparagine 336.
Molecular consequence: frameshift variant.
Genome position (GRCh38, 1-based): chr1:216,325,434-216,325,440, TTCAGGA deleted on the plus strand (TCCTGAA on the coding strand, the reverse complement: USH2A is on the minus strand); deleting any 7 consecutive bases within chr1:216,325,434-216,325,444 gives the same sequence; the c. name uses the placement nearest the transcript's 3' end. VCF-style (leftmost placement, unchanged base first): chr1-216325433-CTTCAGGA-C. GRCh37 (hg19) VCF-style: chr1-216498775-CTTCAGGA-C.
Other names: c.1008_1014del, p.Asn336fs (NM_007123.6); short protein forms N336fs.
Identifiers: ClinVar variation 5015607 (VCV005015607.1).